The following is an entry in ClinVar:

ClinVar aggregate classification (germline): Likely benign (1 of 4 stars; one submission).

Conditions:
NPHP3-related disorder. Also called: NPHP3-related disorders; NPHP3-related condition. Identifiers: MedGen CN379163.

Submission:

PreventionGenetics, part of Exact Sciences
Classification: Likely benign for NPHP3-related condition. Last evaluated: 2026-01-06. Review status: criteria provided, single submitter. Criteria: ACMG Guidelines, 2015. Collection method: clinical testing. Allele origin: germline.
Comment: This variant is classified as likely benign based on ACMG/AMP sequence variant interpretation guidelines (Richards et al. 2015 PMID: 25741868, with internal and published modifications).

NM_153240.4(NPHP3):c.-92_-70del23

Genes: NPHP3 (nephrocystin 3; minus strand), NPHP3-ACAD11 (NPHP3-ACAD11 readthrough (NMD candidate); minus strand), NPHP3-AS1 (NPHP3 antisense RNA 1; plus strand), LOC129937587 (ATAC-STARR-seq lymphoblastoid silent region 14744; plus strand). Cytogenetic location: 3q22.1.
Variant type: Deletion.
Coding change: c.-92_-70del23 on transcript NM_153240.4; 92 bases upstream of the start codon through 70 bases upstream of the start codon, 23 bases deleted (GTCCCGTTCCGTTCCTCTGCCCC).
Molecular consequence: non-coding transcript variant (on NR_037804.1).
Genome position (GRCh38, 1-based): chr3:132,722,425-132,722,447, GGGGCAGAGGAACGGAACGGGAC deleted on the plus strand (GTCCCGTTCCGTTCCTCTGCCCC on the coding strand, the reverse complement: NPHP3 is on the minus strand); deleting any 23 consecutive bases within chr3:132,722,425-132,722,452 gives the same sequence; the c. name uses the placement nearest the transcript's 3' end. VCF-style (leftmost placement, unchanged base first): chr3-132722424-TGGGGCAGAGGAACGGAACGGGAC-T. GRCh37 (hg19) VCF-style: chr3-132441268-TGGGGCAGAGGAACGGAACGGGAC-T.
Identifiers: ClinVar variation 4982258 (VCV004982258.1).